The following is an entry in ClinVar:

NM_001281740.3(FHOD3):c.3187G>A (p.Ala1063Thr)

Gene: FHOD3 (formin homology 2 domain containing 3; plus strand). Cytogenetic location: 18q12.2.
Variant type: single nucleotide variant.
Coding change: c.3187G>A on transcript NM_001281740.3 (MANE Select); coding-DNA position 3187, G replaced by A.
Protein change: p.Ala1063Thr; replaces alanine 1063 with threonine.
Molecular consequence: missense variant.
Genome position (GRCh38, 1-based): chr18:36,718,485, G>A. VCF-style: chr18-36718485-G-A. GRCh37 (hg19) VCF-style: chr18-34298448-G-A.
Other names: c.2611G>A, p.Ala871Thr (NM_001281739.3); c.2662G>A, p.Ala888Thr (NM_025135.5); short protein forms A1063T, A871T, A888T.
Identifiers: ClinVar variation 3895192 (VCV003895192.3), dbSNP rs560946106.
Genomic context (GRCh38, chr18:36,718,485, plus strand): 5'-AGCATTCCTCCCCCTCCTGTCCCTGGTAATTTATTGGTTCCTCCTCCTCCAGTGTTCAAC[G>A]CTCCTCAGGGCTTAGGGTGGTCCCAGGTACCCAGGGGTCAGCCCACATTCACTAAGAAAA-3'
Protein context (NP_001268669.1, residues 1053-1073): LLVPPPPVFN[Ala1063Thr]PQGLGWSQVP

ClinVar aggregate classification (germline): Uncertain significance. Review status: criteria provided, multiple submitters, no conflicts (2 of 4 stars). 2 submissions from 2 submitters: Uncertain significance (2). Last evaluated 2025-12-10.

Conditions:
Cardiovascular phenotype. Identifiers: MedGen CN230736.

gnomAD v4.1: 76 of 1,611,370 alleles (0.0047%); highest among the groups gnomAD compares: Middle Eastern, 0.05%; no homozygotes.

Submissions (2):

Dasa
Classification: Uncertain significance. Last evaluated: 2025-12-10. Review status: criteria provided, single submitter. Criteria: DASA Assertion Criteria. Collection method: clinical testing. Allele origin: germline.
Comment: NM_001281740.3(FHOD3):c.3187G>A (p.Ala1063Thr) is a missense variant that results in the substitution of alanine with threonine. This variant is rare in population databases. Computational prediction algorithms are consistent with a benign effect. The currently available literature and clinical evidence are not sufficient to establish a definitive association between this variant and the reported condition. Therefore, this variant is classified as a variant of uncertain significance.

Molecular Diagnostic Laboratory for Inherited Cardiovascular Disease, Montreal Heart Institute
Classification: Uncertain significance for Cardiovascular phenotype. Last evaluated: 2025-04-09. Review status: criteria provided, single submitter. Criteria: ACMG Guidelines, 2015. Collection method: clinical testing. Allele origin: germline. Affected: yes.
Comment: PM2, PS4_supp, BP4